The following is an entry in ClinVar:

ClinVar aggregate classification (germline): Uncertain significance (1 of 4 stars; one submission).

Conditions:
Hereditary cancer-predisposing syndrome. Also called: Neoplastic Syndromes, Hereditary; Hereditary Cancer Syndrome; Tumor predisposition; Hereditary neoplastic syndrome. Identifiers: Orphanet 140162, MedGen C0027672, MeSH D009386, MONDO:0015356.

gnomAD v4.1: 1 of 1,614,176 alleles (0.000062%); highest among the groups gnomAD compares: Non-Finnish European, 0.000085%; no homozygotes.

Submission:

Ambry Genetics
Classification: Uncertain significance for Hereditary cancer-predisposing syndrome. Last evaluated: 2014-10-20. Review status: criteria provided, single submitter. Criteria: Ambry Variant Classification Scheme 2023. Collection method: clinical testing. Allele origin: germline.
Comment: The p.S781R variant (also known as c.2343C>A) is located in coding exon 5 of the PALB2 gene. This alteration results from a C to A substitution at nucleotide position 2343. The serine at codon 781 is replaced by arginine, an amino acid with some dissimilar properties. This variant was not reported in population-based cohorts in the following databases: Database of Single Nucleotide Polymorphisms (dbSNP), NHLBI Exome Sequencing Project (ESP) and 1000 Genomes Project. To date, this alteration has been detected with an allele frequency of approximately 0.004% (greater than 23,000 alleles tested) in our clinical cohort. This amino acid position is not well conserved in available vertebrate species. In addition, this alteration is predicted to be tolerated by in silico analysis. Since supporting evidence is limited at this time, the clinical significance of p.S781R remains unclear.

NM_024675.4(PALB2):c.2343C>A (p.Ser781Arg)

Gene: PALB2 (partner and localizer of BRCA2; minus strand). Cytogenetic location: 16p12.2.
Variant type: single nucleotide variant.
Coding change: c.2343C>A on transcript NM_024675.4 (MANE Select); coding-DNA position 2343, C replaced by A.
Protein change: p.Ser781Arg; replaces serine 781 with arginine.
Molecular consequence: missense variant.
Genome position (GRCh38, 1-based): chr16:23,629,811, G>T on the plus strand (C>A on the coding strand, the complement: PALB2 is on the minus strand). VCF-style: chr16-23629811-G-T. GRCh37 (hg19) VCF-style: chr16-23641132-G-T.
Other names: short protein forms S781R.
Identifiers: ClinVar variation 402298 (VCV000402298.5), dbSNP rs1060499820, ClinGen allele CA16609595.